The following is an entry in ClinVar:

ClinVar aggregate classification (germline): Likely pathogenic (1 of 4 stars; one submission).

Conditions:
Autosomal recessive nonsyndromic hearing loss 8 (DFNB8). Also called: NEUROSENSORY NONSYNDROMIC RECESSIVE DEAFNESS 8; Deafness, autosomal recessive 10. Identifiers: Orphanet 90636, MedGen C1832827, MONDO:0010987, OMIM 601072.

Submission:

King Laboratory, University of Washington
Classification: Likely pathogenic for Autosomal recessive nonsyndromic hearing loss 8. Last evaluated: 2023-02-28. Review status: criteria provided, single submitter. Criteria: Li et al. (Genet Med. 2022). Collection method: research. Allele origin: unknown. Affected: yes.
Comment: This variant occurred in compound heterozygosity with a TMPRSS3 frameshift variant in two siblings with bilateral sensorineural hearing loss of onset <18 years, in a study of pediatric hearing loss conducted by the King Laboratory (Carlson RJ et al. JAMA-OtoHNS 2023). These siblings’ family has no other history of hearing loss. This variant is a missense at a highly conserved site and is predicted to be damaging by multiple in-silico tools. As of January 2023, this variant has not been reported to ClinVar and is not found on gnomAD. Based on consistently predicted functional effect, compound heterozygosity with a loss-of-function variant, co-segregation with the phenotype in the family, and goodness of fit of genotype to phenotype, we conclude that this variant is likely pathogenic.

Literature cited by the submitters: PubMed 36633841.

NM_001256317.3(TMPRSS3):c.188T>G (p.Leu63Arg)

Gene: TMPRSS3 (transmembrane serine protease 3; minus strand). Cytogenetic location: 21q22.3.
Variant type: single nucleotide variant.
Coding change: c.188T>G on transcript NM_001256317.3 (MANE Select); coding-DNA position 188, T replaced by G.
Protein change: p.Leu63Arg; replaces leucine 63 with arginine.
Molecular consequence: missense variant.
Genome position (GRCh38, 1-based): chr21:42,389,944, A>C on the plus strand (T>G on the coding strand, the complement: TMPRSS3 is on the minus strand). VCF-style: chr21-42389944-A-C. GRCh37 (hg19) VCF-style: chr21-43810053-A-C.
Other names: c.188T>G, p.Leu63Arg (NM_032405.2, NM_024022.4); short protein forms L63R.
Identifiers: ClinVar variation 2445670 (VCV002445670.1), dbSNP rs1301700806, ClinGen allele CA410375847.
Genomic context (GRCh38, chr21:42,389,944, plus strand): 5'-GGCTAGGTATTTGAGATCCTACTAAATAATGAATTGTACTCACTGCCCAGACCAATGGCC[A>C]GTGCTAATATCAATGCAATGATCCCAATGACGATGATTGGAAAAAACTTCAATGGCAGCA-3'
Protein context (NP_001243246.1, residues 53-73): VIGIIALILA[Leu63Arg]AIGLGIHFDC